The following is an entry in ClinVar:

ClinVar aggregate classification (germline): Uncertain significance (1 of 4 stars; one submission).

Conditions:
Singleton-Merten syndrome 1 (SGMRT1). Also called: Widened medullary cavities of bone, aortic calcification, abnormal dentition, and muscular weakness; Syndrome of widened medullary cavities of the metacarpals and phalanges, aortic calcification and abnormal dentition. Identifiers: Orphanet 85191, MedGen C4225427, MONDO:0024535, OMIM 182250.
Aicardi-Goutieres syndrome 7 (AGS7). Identifiers: Orphanet 51, MedGen C3888244, MONDO:0014367, OMIM 615846.

Allele frequency attached by ClinVar (database versions not stated): gnomAD exomes below 0.00001; TOPMed below 0.00001; gnomAD 0.00001.
gnomAD v4.1: 2 of 1,613,736 alleles (0.00012%); highest among the groups gnomAD compares: Non-Finnish European, 0.00017%; no homozygotes.

Submission:

Labcorp Genetics (formerly Invitae), Labcorp
Classification: Uncertain significance for Aicardi-Goutieres syndrome 7; Singleton-Merten syndrome 1. Last evaluated: 2024-11-24. Review status: criteria provided, single submitter. Criteria: Invitae Variant Classification Sherloc (09022015). Collection method: clinical testing. Allele origin: germline.
Comment: This sequence change replaces valine, which is neutral and non-polar, with isoleucine, which is neutral and non-polar, at codon 215 of the IFIH1 protein (p.Val215Ile). This variant is present in population databases (no rsID available, gnomAD 0.0009%). This variant has not been reported in the literature in individuals affected with IFIH1-related conditions. ClinVar contains an entry for this variant (Variation ID: 863462). Invitae Evidence Modeling of protein sequence and biophysical properties (such as structural, functional, and spatial information, amino acid conservation, physicochemical variation, residue mobility, and thermodynamic stability) has been performed for this missense variant. However, the output from this modeling did not meet the statistical confidence thresholds required to predict the impact of this variant on IFIH1 protein function. In summary, the available evidence is currently insufficient to determine the role of this variant in disease. Therefore, it has been classified as a Variant of Uncertain Significance.

NM_022168.4(IFIH1):c.643G>A (p.Val215Ile)

Gene: IFIH1 (interferon induced with helicase C domain 1; minus strand). Cytogenetic location: 2q24.2.
Variant type: single nucleotide variant.
Coding change: c.643G>A on transcript NM_022168.4 (MANE Select); coding-DNA position 643, G replaced by A.
Protein change: p.Val215Ile; replaces valine 215 with isoleucine.
Molecular consequence: missense variant.
Genome position (GRCh38, 1-based): chr2:162,306,835, C>T on the plus strand (G>A on the coding strand, the complement: IFIH1 is on the minus strand). VCF-style: chr2-162306835-C-T. GRCh37 (hg19) VCF-style: chr2-163163345-C-T.
Other names: short protein forms V215I.
Identifiers: ClinVar variation 863462 (VCV000863462.9), dbSNP rs930052265, ClinGen allele CA59685993.